The following is an entry in ClinVar:

ClinVar aggregate classification (germline): Uncertain significance (1 of 4 stars; one submission).

Conditions:
Wolman disease (WOLD). Also called: Acid cholesteryl ester hydrolase deficiency, Wolman type; Acid lipase disease; LYSOSOMAL ACID LIPASE DEFICIENCY, ACUTE INFANTILE; LYSOSOMAL ACID LIPASE DEFICIENCY, COMPLETE; LIPA DEFICIENCY, COMPLETE; LAL DEFICIENCY, COMPLETE. Identifiers: Orphanet 75233, MedGen C0043208, MONDO:0019148, OMIM 620151.

Submission:

Labcorp Genetics (formerly Invitae), Labcorp
Classification: Uncertain significance for Wolman disease. Last evaluated: 2022-04-07. Review status: criteria provided, single submitter. Criteria: Invitae Variant Classification Sherloc (09022015). Collection method: clinical testing. Allele origin: germline.
Comment: This sequence change replaces methionine, which is neutral and non-polar, with leucine, which is neutral and non-polar, at codon 213 of the LIPA protein (p.Met213Leu). This variant is not present in population databases (gnomAD no frequency). This variant has not been reported in the literature in individuals affected with LIPA-related conditions. Algorithms developed to predict the effect of missense changes on protein structure and function output the following: SIFT: "Tolerated"; PolyPhen-2: "Benign"; Align-GVGD: "Class C0". The leucine amino acid residue is found in multiple mammalian species, which suggests that this missense change does not adversely affect protein function. In summary, the available evidence is currently insufficient to determine the role of this variant in disease. Therefore, it has been classified as a Variant of Uncertain Significance.

NM_000235.4(LIPA):c.637A>T (p.Met213Leu)

Gene: LIPA (lipase A, lysosomal acid type; minus strand). Cytogenetic location: 10q23.31.
Variant type: single nucleotide variant.
Coding change: c.637A>T on transcript NM_000235.4 (MANE Select); coding-DNA position 637, A replaced by T.
Protein change: p.Met213Leu; replaces methionine 213 with leucine.
Molecular consequence: missense variant.
Genome position (GRCh38, 1-based): chr10:89,225,130, T>A on the plus strand (A>T on the coding strand, the complement: LIPA is on the minus strand). VCF-style: chr10-89225130-T-A. GRCh37 (hg19) VCF-style: chr10-90984887-T-A.
Other names: c.637A>T, p.Met213Leu (NM_001127605.3); c.289A>T, p.Met97Leu (NM_001288979.2); short protein forms M97L, M213L.
Identifiers: ClinVar variation 1943981 (VCV001943981.5), dbSNP rs376139762, ClinGen allele CA377517227.